The following is an entry in ClinVar:

ClinVar aggregate classification (germline): Likely pathogenic (1 of 4 stars; one submission).

Submission:

Dasa
Classification: Likely pathogenic. Last evaluated: 2026-02-20. Review status: criteria provided, single submitter. Criteria: DASA Assertion Criteria. Collection method: clinical testing. Allele origin: germline.
Comment: NM_000465.4(BARD1):c.772del (p.Ile258*) is a nonsense variant in BARD1 predicted to introduce a premature termination codon and is predicted to result in an absent or altered protein product. Loss of function is an established disease mechanism for BARD1 (PMID: 20077502; PMID: 20842729; PMID: 21344236). Also, this variant is rare in population databases. Based on the currently available evidence, this variant is classified as likely pathogenic.

Literature cited by the submitters: PubMed 20077502; PubMed 20842729; PubMed 21344236.

NM_000465.4(BARD1):c.772del (p.Glu257_Ile258insTer)

Gene: BARD1 (BRCA1 associated RING domain 1; minus strand). Cytogenetic location: 2q35.
Variant type: Deletion.
Coding change: c.772del on transcript NM_000465.4 (MANE Select); coding-DNA position 772, one base deleted (A; older notation c.772delA).
Protein change: p.Glu257_Ile258insTer.
Molecular consequence: nonsense. On other transcripts: non-coding transcript variant (2), intron variant (3).
Genome position (GRCh38, 1-based): chr2:214,781,102, T deleted on the plus strand (A on the coding strand, the reverse complement: BARD1 is on the minus strand); the first of 3 consecutive T bases (chr2:214,781,102-214,781,104); deleting any one gives the same sequence. VCF-style (leftmost placement, unchanged base first): chr2-214781101-AT-A. GRCh37 (hg19) VCF-style: chr2-215645825-AT-A.
Other names: c.715del, p.Glu238_Ile239insTer (NM_001282543.2); c.158+28310del (NM_001282548.2); c.215+15959del (NM_001282545.2); c.364+11195del (NM_001282549.2).
Identifiers: ClinVar variation 4886459 (VCV004886459.2).
Genomic context (GRCh38, chr2:214,781,101, plus strand): 5'-ACTTCAGTTAAACTTCCAAAACATTCAGATTCTGTCAAGGAGCCACTTGCTAGTAAGTCT[AT>A]TTCACCATTTATCTGAGGACTGGAGATAACAGATGGTTGGCTACAGAAGGATACCAGCTT-3'